The following is an entry in ClinVar:

ClinVar aggregate classification (germline): Pathogenic (1 of 4 stars; one submission).

Submission:

Labcorp Genetics (formerly Invitae), Labcorp
Classification: Pathogenic. Last evaluated: 2022-09-19. Review status: criteria provided, single submitter. Criteria: Invitae Variant Classification Sherloc (09022015). Collection method: clinical testing. Allele origin: germline.
Comment: This sequence change creates a premature translational stop signal (p.His954Thrfs*86) in the MYO18B gene. It is expected to result in an absent or disrupted protein product. Loss-of-function variants in MYO18B are known to be pathogenic (PMID: 25748484, 32184166, 32637634). This variant is present in population databases (rs763943362, gnomAD 0.008%). This variant has not been reported in the literature in individuals affected with MYO18B-related conditions. ClinVar contains an entry for this variant (Variation ID: 1383440). For these reasons, this variant has been classified as Pathogenic.

Literature cited by the submitters: PubMed 25748484; PubMed 32184166; PubMed 32637634.

NM_032608.7(MYO18B):c.2859del (p.His954fs)

Gene: MYO18B (myosin XVIIIB; plus strand). Cytogenetic location: 22q12.1.
Variant type: Deletion.
Coding change: c.2859del on transcript NM_032608.7 (MANE Select); coding-DNA position 2859, one base deleted (G; older notation c.2859delG).
Protein change: p.His954fs; shifts the reading frame from histidine 954.
Molecular consequence: frameshift variant.
Genome position (GRCh38, 1-based): chr22:25,828,848, G deleted; the last of 2 consecutive G bases (chr22:25,828,847-25,828,848); deleting either gives the same sequence. VCF-style (leftmost placement, unchanged base first): chr22-25828846-CG-C. GRCh37 (hg19) VCF-style: chr22-26224813-CG-C.
Other names: c.2859del, p.His954fs (NM_001318245.2); short protein forms H954fs.
Identifiers: ClinVar variation 1383440 (VCV001383440.3), dbSNP rs763943362, ClinGen allele CA10160351.